The following is an entry in ClinVar:

NM_017617.5(NOTCH1):c.6275A>C (p.His2092Pro)

Gene: NOTCH1 (notch receptor 1; minus strand). Cytogenetic location: 9q34.3.
Variant type: single nucleotide variant.
Coding change: c.6275A>C on transcript NM_017617.5 (MANE Select); coding-DNA position 6275, A replaced by C.
Protein change: p.His2092Pro; replaces histidine 2092 with proline.
Molecular consequence: missense variant.
Genome position (GRCh38, 1-based): chr9:136,497,464, T>G on the plus strand (A>C on the coding strand, the complement: NOTCH1 is on the minus strand). VCF-style: chr9-136497464-T-G. GRCh37 (hg19) VCF-style: chr9-139391916-T-G.
Other names: c.6275A>C, p.His2092Pro (LRG_1122t1); short protein forms H2092P.
Identifiers: ClinVar variation 544159 (VCV000544159.8), dbSNP rs1554826539, ClinGen allele CA375632089.

ClinVar aggregate classification (germline): Uncertain significance (1 of 4 stars; one submission).

Conditions:
Adams-Oliver syndrome 5 (AOS5). Identifiers: Orphanet 974, MedGen C4014970, MONDO:0014459, OMIM 616028.

Allele frequency attached by ClinVar (database versions not stated): gnomAD exomes below 0.00001.
gnomAD v4.1: 1 of 1,612,452 alleles (0.000062%); highest among the groups gnomAD compares: Non-Finnish European, 0.000085%; no homozygotes.

Submission:

Labcorp Genetics (formerly Invitae), Labcorp
Classification: Uncertain significance for Adams-Oliver syndrome 5. Last evaluated: 2017-08-17. Review status: criteria provided, single submitter. Criteria: Invitae Variant Classification Sherloc (09022015). Collection method: clinical testing. Allele origin: germline.
Comment: In summary, the available evidence is currently insufficient to determine the role of this variant in disease. Therefore, it has been classified as a Variant of Uncertain Significance. This sequence change replaces histidine with proline at codon 2092 of the NOTCH1 protein (p.His2092Pro). The histidine residue is highly conserved and there is a moderate physicochemical difference between histidine and proline. This variant is not present in population databases (ExAC no frequency). This variant has not been reported in the literature in individuals with NOTCH1-related disease. Algorithms developed to predict the effect of missense changes on protein structure and function do not agree on the potential impact of this missense change (SIFT: "Deleterious"; PolyPhen-2: "Probably Damaging"; Align-GVGD: "Class C0").